The following is an entry in ClinVar:

NM_003482.4(KMT2D):c.9547G>A (p.Ala3183Thr)

Gene: KMT2D (lysine methyltransferase 2D; minus strand). Cytogenetic location: 12q13.12.
Variant type: single nucleotide variant.
Coding change: c.9547G>A on transcript NM_003482.4 (MANE Select); coding-DNA position 9547, G replaced by A.
Protein change: p.Ala3183Thr; replaces alanine 3183 with threonine.
Molecular consequence: missense variant.
Genome position (GRCh38, 1-based): chr12:49,037,809, C>T on the plus strand (G>A on the coding strand, the complement: KMT2D is on the minus strand). VCF-style: chr12-49037809-C-T. GRCh37 (hg19) VCF-style: chr12-49431592-C-T.
Other names: short protein forms A3183T.
Identifiers: ClinVar variation 2141392 (VCV002141392.4), dbSNP rs200429063, ClinGen allele CA384737339.

ClinVar aggregate classification (germline): Uncertain significance (1 of 4 stars; one submission).

Conditions:
Kabuki syndrome. Also called: Kabuki make-up syndrome; NIIKAWA-KUROKI SYNDROME. Identifiers: Orphanet 2322, MedGen C0796004, MONDO:0016512.

gnomAD v4.1: 2 of 1,597,170 alleles (0.00013%); highest among the groups gnomAD compares: Non-Finnish European, 0.00017%; no homozygotes.

Submission:

Labcorp Genetics (formerly Invitae), Labcorp
Classification: Uncertain significance for Kabuki syndrome. Last evaluated: 2022-08-20. Review status: criteria provided, single submitter. Criteria: Invitae Variant Classification Sherloc (09022015). Collection method: clinical testing. Allele origin: germline.
Comment: This variant has not been reported in the literature in individuals affected with KMT2D-related conditions. In summary, the available evidence is currently insufficient to determine the role of this variant in disease. Therefore, it has been classified as a Variant of Uncertain Significance. Advanced modeling of protein sequence and biophysical properties (such as structural, functional, and spatial information, amino acid conservation, physicochemical variation, residue mobility, and thermodynamic stability) performed at Invitae indicates that this missense variant is not expected to disrupt KMT2D protein function. This variant is not present in population databases (gnomAD no frequency). This sequence change replaces alanine, which is neutral and non-polar, with threonine, which is neutral and polar, at codon 3183 of the KMT2D protein (p.Ala3183Thr).